The following is an entry in ClinVar:

ClinVar aggregate classification (germline): Uncertain significance (1 of 4 stars; one submission).

Conditions:
MOGS-related disorder. Also called: MOGS-related condition.

Allele frequency attached by ClinVar (database versions not stated): gnomAD exomes below 0.00001.
gnomAD v4.1: 1 of 1,614,224 alleles (0.000062%); highest among the groups gnomAD compares: Admixed American, 0.0017%; no homozygotes.

Submission:

PreventionGenetics, part of Exact Sciences
Classification: Uncertain significance for MOGS-related condition. Last evaluated: 2022-12-19. Review status: criteria provided, single submitter. Criteria: ACMG Guidelines, 2015. Collection method: clinical testing. Allele origin: germline.
Comment: The MOGS c.1127T>G variant is predicted to result in the amino acid substitution p.Phe376Cys. To our knowledge, this variant has not been reported in the literature. This variant is reported in 0.0029% of alleles in individuals of Latino descent in gnomAD. At this time, the clinical significance of this variant is uncertain due to the absence of conclusive functional and genetic evidence.

NM_006302.3(MOGS):c.1127T>G (p.Phe376Cys)

Gene: MOGS (mannosyl-oligosaccharide glucosidase; minus strand). Cytogenetic location: 2p13.1.
Variant type: single nucleotide variant.
Coding change: c.1127T>G on transcript NM_006302.3 (MANE Select); coding-DNA position 1127, T replaced by G.
Protein change: p.Phe376Cys; replaces phenylalanine 376 with cysteine.
Molecular consequence: missense variant.
Genome position (GRCh38, 1-based): chr2:74,462,662, A>C on the plus strand (T>G on the coding strand, the complement: MOGS is on the minus strand). VCF-style: chr2-74462662-A-C. GRCh37 (hg19) VCF-style: chr2-74689789-A-C.
Other names: c.809T>G, p.Phe270Cys (NM_001146158.2); short protein forms F270C, F376C.
Identifiers: ClinVar variation 2629792 (VCV002629792.1), dbSNP rs1460934318, ClinGen allele CA347376704.